The following is an entry in ClinVar:

NM_001252024.2(TRPM1):c.4647C>G (p.Asp1549Glu)

Gene: TRPM1 (transient receptor potential cation channel subfamily M member 1; minus strand). Cytogenetic location: 15q13.3.
Variant type: single nucleotide variant.
Coding change: c.4647C>G on transcript NM_001252024.2 (MANE Select); coding-DNA position 4647, C replaced by G.
Protein change: p.Asp1549Glu; replaces aspartic acid 1549 with glutamic acid.
Molecular consequence: missense variant.
Genome position (GRCh38, 1-based): chr15:31,002,053, G>C on the plus strand (C>G on the coding strand, the complement: TRPM1 is on the minus strand). VCF-style: chr15-31002053-G-C. GRCh37 (hg19) VCF-style: chr15-31294256-G-C.
Other names: c.4698C>G, p.Asp1566Glu (NM_001252020.2); c.4581C>G, p.Asp1527Glu (NM_002420.6); short protein forms D1549E, D1566E, D1527E.
Identifiers: ClinVar variation 1902517 (VCV001902517.5), dbSNP rs2543111003, ClinGen allele CA391522106.

ClinVar aggregate classification (germline): Uncertain significance (1 of 4 stars; one submission).

Submission:

Labcorp Genetics (formerly Invitae), Labcorp
Classification: Uncertain significance. Last evaluated: 2022-06-24. Review status: criteria provided, single submitter. Criteria: Invitae Variant Classification Sherloc (09022015). Collection method: clinical testing. Allele origin: germline.
Comment: In summary, the available evidence is currently insufficient to determine the role of this variant in disease. Therefore, it has been classified as a Variant of Uncertain Significance. Algorithms developed to predict the effect of missense changes on protein structure and function output the following: SIFT: "Tolerated"; PolyPhen-2: "Benign"; Align-GVGD: "Class C0". The glutamic acid amino acid residue is found in multiple mammalian species, which suggests that this missense change does not adversely affect protein function. This variant has not been reported in the literature in individuals affected with TRPM1-related conditions. This variant is not present in population databases (gnomAD no frequency). This sequence change replaces aspartic acid, which is acidic and polar, with glutamic acid, which is acidic and polar, at codon 1527 of the TRPM1 protein (p.Asp1527Glu).